The following is an entry in ClinVar:

NM_001308068.2(FLYWCH1):c.320A>G (p.Asp107Gly)

Gene: FLYWCH1 (FLYWCH-type zinc finger 1; plus strand). Cytogenetic location: 16p13.3.
Variant type: single nucleotide variant.
Coding change: c.320A>G on transcript NM_001308068.2 (MANE Select); coding-DNA position 320, A replaced by G.
Protein change: p.Asp107Gly; replaces aspartic acid 107 with glycine.
Molecular consequence: missense variant.
Genome position (GRCh38, 1-based): chr16:2,930,005, A>G. VCF-style: chr16-2930005-A-G. GRCh37 (hg19) VCF-style: chr16-2980006-A-G.
Other names: c.320A>G, p.Asp107Gly (NM_020912.2, NM_032296.3); short protein forms D107G.
Identifiers: ClinVar variation 2646086 (VCV002646086.24), dbSNP rs146665306, ClinGen allele CA7851642.

ClinVar aggregate classification (germline): Likely benign (1 of 4 stars; one submission).

Allele frequency attached by ClinVar (database versions not stated): 1000 Genomes Project 30x 0.00312; 1000 Genomes Project 0.00339; ExAC 0.00455; ESP Exome Variant Server 0.00564.
gnomAD v4.1: 10,302 of 1,602,656 alleles (0.64%); highest among the groups gnomAD compares: Non-Finnish European, 0.8%; 47 homozygotes.

Submission:

CeGaT Center for Human Genetics Tuebingen
Classification: Likely benign. Last evaluated: 2022-12-01. Review status: criteria provided, single submitter. Criteria: CeGaT Center For Human Genetics Tuebingen Variant Classification Criteria Version 2. Collection method: clinical testing. Allele origin: germline. Affected: yes. Observed: 2 variant alleles.
Comment: FLYWCH1: BP4, BS2